The following is an entry in ClinVar:

ClinVar aggregate classification (germline): Uncertain significance (1 of 4 stars; one submission).

Allele frequency attached by ClinVar (database versions not stated): TOPMed below 0.00001; gnomAD 0.00001; gnomAD exomes 0.00001.
gnomAD v4.1: 17 of 1,614,056 alleles (0.0011%); highest among the groups gnomAD compares: Admixed American, 0.0067%; no homozygotes.

Submission:

Labcorp Genetics (formerly Invitae), Labcorp
Classification: Uncertain significance. Last evaluated: 2022-05-20. Review status: criteria provided, single submitter. Criteria: Invitae Variant Classification Sherloc (09022015). Collection method: clinical testing. Allele origin: germline.
Comment: This sequence change replaces leucine, which is neutral and non-polar, with proline, which is neutral and non-polar, at codon 502 of the ITGA8 protein (p.Leu502Pro). In summary, the available evidence is currently insufficient to determine the role of this variant in disease. Therefore, it has been classified as a Variant of Uncertain Significance. Algorithms developed to predict the effect of missense changes on protein structure and function (SIFT, PolyPhen-2, Align-GVGD) all suggest that this variant is likely to be tolerated. This variant has not been reported in the literature in individuals affected with ITGA8-related conditions. This variant is present in population databases (no rsID available, gnomAD 0.009%).

NM_003638.3(ITGA8):c.1505T>C (p.Leu502Pro)

Gene: ITGA8 (integrin subunit alpha 8; minus strand). Cytogenetic location: 10p13.
Variant type: single nucleotide variant.
Coding change: c.1505T>C on transcript NM_003638.3 (MANE Select); coding-DNA position 1505, T replaced by C.
Protein change: p.Leu502Pro; replaces leucine 502 with proline.
Molecular consequence: missense variant.
Genome position (GRCh38, 1-based): chr10:15,613,708, A>G on the plus strand (T>C on the coding strand, the complement: ITGA8 is on the minus strand). VCF-style: chr10-15613708-A-G. GRCh37 (hg19) VCF-style: chr10-15655707-A-G.
Other names: c.1460T>C, p.Leu487Pro (NM_001291494.2); short protein forms L502P, L487P.
Identifiers: ClinVar variation 1899372 (VCV001899372.4), dbSNP rs1359371824, ClinGen allele CA376103815.